The following is an entry in ClinVar:

NM_032119.4(ADGRV1):c.280del (p.Arg94fs)

Gene: ADGRV1 (adhesion G protein-coupled receptor V1; plus strand). Cytogenetic location: 5q14.3.
Variant type: Deletion.
Coding change: c.280del on transcript NM_032119.4 (MANE Select); coding-DNA position 280, one base deleted (A; older notation c.280delA).
Protein change: p.Arg94fs; shifts the reading frame from arginine 94.
Molecular consequence: frameshift variant. On other transcripts: non-coding transcript variant (1).
Genome position (GRCh38, 1-based): chr5:90,617,876, A deleted. VCF-style (leftmost placement, unchanged base first): chr5-90617875-CA-C. GRCh37 (hg19) VCF-style: chr5-89913692-CA-C.
Other names: short protein forms R94fs.
Identifiers: ClinVar variation 4875404 (VCV004875404.2).

ClinVar aggregate classification (germline): Pathogenic (1 of 4 stars; one submission).

Submission:

CeGaT Center for Human Genetics Tuebingen
Classification: Pathogenic. Last evaluated: 2026-06-01. Review status: criteria provided, single submitter. Criteria: CeGaT Center For Human Genetics Tuebingen Variant Classification Criteria Version 2. Collection method: clinical testing. Allele origin: germline. Affected: yes. Observed: 1 variant allele.
Comment: ADGRV1: PVS1, PM2